The following is an entry in ClinVar:

NM_006493.4(CLN5):c.340-52_365delinsTAACGGG

Gene: CLN5 (CLN5 lysosomal BMP synthase; plus strand). Cytogenetic location: 13q22.3.
Variant type: Indel.
Coding change: c.340-52_365delinsTAACGGG on transcript NM_006493.4 (MANE Select); 52 bases into the intron before coding-DNA position 340 through coding-DNA position 365, the reference bases replaced by TAACGGG.
Molecular consequence: splice acceptor variant.
Genome position (GRCh38, 1-based): chr13:76,995,850-76,995,927, 78 bases replaced. GRCh37 (hg19): chr13:77,569,985-77,570,062.
Other names: c.340-52_365delinsTAACGGG (NM_001366624.2).
Identifiers: ClinVar variation 2043193 (VCV002043193.5), dbSNP rs2501139084, ClinGen allele CA2580087761.

ClinVar aggregate classification (germline): Likely pathogenic. Review status: criteria provided, multiple submitters, no conflicts (2 of 4 stars). 2 submissions from 2 submitters: Likely pathogenic (2). Last evaluated 2023-12-04.

Conditions:
Neuronal ceroid lipofuscinosis. Also called: Neuronal Ceroid Lipofuscinoses. Identifiers: Orphanet 216, Orphanet 79263, MedGen C0027877, MONDO:0016295. Disease mechanism: loss of function.
Neuronal ceroid lipofuscinosis 5 (CLN5). Also called: Neuronal ceroid lipofuscinosis Finnish variant; NEURONAL CEROID LIPOFUSCINOSIS, LATE INFANTILE, FINNISH VARIANT; CEROID LIPOFUSCINOSIS, NEURONAL, 5, VARIABLE AGE AT ONSET; CLN5-Related Neuronal Ceroid-Lipofuscinosis. Identifiers: Orphanet 168491, Orphanet 228360, MedGen C1850442, MONDO:0009745, OMIM 256731.

Submissions (2):

Baylor Genetics
Classification: Likely pathogenic for Neuronal ceroid lipofuscinosis 5. Last evaluated: 2023-12-04. Review status: criteria provided, single submitter. Criteria: ACMG Guidelines, 2015. Collection method: clinical testing. Allele origin: unknown.

Labcorp Genetics (formerly Invitae), Labcorp
Classification: Likely pathogenic for Neuronal ceroid lipofuscinosis. Last evaluated: 2021-12-15. Review status: criteria provided, single submitter. Criteria: Invitae Variant Classification Sherloc (09022015). Collection method: clinical testing. Allele origin: germline.
Comment: In summary, the currently available evidence indicates that the variant is pathogenic, but additional data are needed to prove that conclusively. Therefore, this variant has been classified as Likely Pathogenic. Algorithms developed to predict the effect of sequence changes on RNA splicing suggest that this variant may disrupt the consensus splice site. This variant has not been reported in the literature in individuals affected with CLN5-related conditions. This variant is not present in population databases (gnomAD no frequency). This variant results in the deletion of part of exon 3 (c.487-52_512delinsTAACGGG) of the CLN5 gene. It is expected to disrupt RNA splicing. Variants that disrupt the donor or acceptor splice site typically lead to a loss of protein function (PMID: 16199547), and loss-of-function variants in CLN5 are known to be pathogenic (PMID: 20157158).

Literature cited by the submitters: PubMed 16199547 (cited by Labcorp Genetics (formerly Invitae), Labcorp); PubMed 20157158 (cited by Labcorp Genetics (formerly Invitae), Labcorp).